The following is an entry in ClinVar:

NM_006766.5(KAT6A):c.1409T>A (p.Leu470His)

Gene: KAT6A (lysine acetyltransferase 6A; minus strand). Cytogenetic location: 8p11.21.
Variant type: single nucleotide variant.
Coding change: c.1409T>A on transcript NM_006766.5 (MANE Select); coding-DNA position 1409, T replaced by A.
Protein change: p.Leu470His; replaces leucine 470 with histidine.
Molecular consequence: missense variant.
Genome position (GRCh38, 1-based): chr8:41,974,777, A>T on the plus strand (T>A on the coding strand, the complement: KAT6A is on the minus strand). VCF-style: chr8-41974777-A-T. GRCh37 (hg19) VCF-style: chr8-41832295-A-T.
Other names: c.1409T>A, p.Leu470His (NM_001305878.2); short protein forms L470H.
Identifiers: ClinVar variation 2696992 (VCV002696992.3), dbSNP rs146227878, ClinGen allele CA371075411.
Genomic context (GRCh38, chr8:41,974,777, plus strand): 5'-TCTTGGATATCACGAAATAATTCCATATCTTTCTCAGTCATGATTTCCTGGCTCCCAAAA[A>T]GTCGCTCCTCATTTTCTTGTTTGCCATCCCAGCCATCCTGATTGTCTACATATAAAAAAA-3'
Protein context (NP_006757.2, residues 460-480): WDGKQENEER[Leu470His]FGSQEIMTEK

ClinVar aggregate classification (germline): Uncertain significance (1 of 4 stars; one submission).

Submission:

Labcorp Genetics (formerly Invitae), Labcorp
Classification: Uncertain significance. Last evaluated: 2023-11-18. Review status: criteria provided, single submitter. Criteria: Invitae Variant Classification Sherloc (09022015). Collection method: clinical testing. Allele origin: germline.
Comment: This sequence change replaces leucine, which is neutral and non-polar, with histidine, which is basic and polar, at codon 470 of the KAT6A protein (p.Leu470His). This variant is not present in population databases (gnomAD no frequency). This variant has not been reported in the literature in individuals affected with KAT6A-related conditions. Advanced modeling of protein sequence and biophysical properties (such as structural, functional, and spatial information, amino acid conservation, physicochemical variation, residue mobility, and thermodynamic stability) performed at Invitae indicates that this missense variant is not expected to disrupt KAT6A protein function with a negative predictive value of 80%. In summary, the available evidence is currently insufficient to determine the role of this variant in disease. Therefore, it has been classified as a Variant of Uncertain Significance.